The following is an entry in ClinVar:

NM_000540.3(RYR1):c.7709C>A (p.Ala2570Glu)

Gene: RYR1 (ryanodine receptor 1; plus strand). Cytogenetic location: 19q13.2.
Variant type: single nucleotide variant.
Coding change: c.7709C>A on transcript NM_000540.3 (MANE Select); coding-DNA position 7709, C replaced by A.
Protein change: p.Ala2570Glu; replaces alanine 2570 with glutamic acid.
Molecular consequence: missense variant.
Genome position (GRCh38, 1-based): chr19:38,502,601, C>A. VCF-style: chr19-38502601-C-A. GRCh37 (hg19) VCF-style: chr19-38993241-C-A.
Other names: c.7709C>A, p.Ala2570Glu (NM_001042723.2); short protein forms A2570E.
Identifiers: ClinVar variation 4710543 (VCV004710543.1).
Genomic context (GRCh38, chr19:38,502,601, plus strand): 5'-TGAACCGCTACCTGTGCCTGGCCGTGCTGCCGCTCATCACCAAGTGTGCGCCGCTCTTTG[C>A]GGGCACAGAACACCGCGCCATCATGGTGGACTCTATGCTGCATACCGTGTACCGCCTGTC-3'
Protein context (NP_000531.2, residues 2560-2580): PLITKCAPLF[Ala2570Glu]GTEHRAIMVD

ClinVar aggregate classification (germline): Uncertain significance (1 of 4 stars; one submission).

Conditions:
RYR1-related disorder. Also called: RYR1-related condition; RYR1-related disorders. Identifiers: MedGen CN239331.

Submission:

Labcorp Genetics (formerly Invitae), Labcorp
Classification: Uncertain significance for RYR1-related disorder. Last evaluated: 2025-07-30. Review status: criteria provided, single submitter. Criteria: Invitae Variant Classification Sherloc (09022015). Collection method: clinical testing. Allele origin: germline.
Comment: This sequence change replaces alanine, which is neutral and non-polar, with glutamic acid, which is acidic and polar, at codon 2570 of the RYR1 protein (p.Ala2570Glu). This variant is not present in population databases (gnomAD no frequency). This missense change has been observed in individual(s) with RYR1-related conditions (PMID: 25987458). Invitae Evidence Modeling of protein sequence and biophysical properties (such as structural, functional, and spatial information, amino acid conservation, physicochemical variation, residue mobility, and thermodynamic stability) indicates that this missense variant is not expected to disrupt RYR1 protein function with a negative predictive value of 80%. In summary, the available evidence is currently insufficient to determine the role of this variant in disease. Therefore, it has been classified as a Variant of Uncertain Significance.

Literature cited by the submitters: PubMed 25987458.